The following is an entry in ClinVar:

NM_024548.4(CEP97):c.2046G>C (p.Trp682Cys)

Gene: CEP97 (centrosomal protein 97; plus strand). Cytogenetic location: 3q12.3.
Variant type: single nucleotide variant.
Coding change: c.2046G>C on transcript NM_024548.4 (MANE Select); coding-DNA position 2046, G replaced by C.
Protein change: p.Trp682Cys; replaces tryptophan 682 with cysteine.
Molecular consequence: missense variant.
Genome position (GRCh38, 1-based): chr3:101,764,999, G>C. VCF-style: chr3-101764999-G-C. GRCh37 (hg19) VCF-style: chr3-101483843-G-C.
Other names: c.1869G>C, p.Trp623Cys (NM_001303401.2); c.1944G>C, p.Trp648Cys (NM_001410784.1); c.1767G>C, p.Trp589Cys (NM_001410785.1); short protein forms W682C, W623C, W589C, W648C.
Identifiers: ClinVar variation 2712692 (VCV002712692.3), dbSNP rs757139052, ClinGen allele CA2522260.

ClinVar aggregate classification (germline): Uncertain significance (1 of 4 stars; one submission).

Allele frequency attached by ClinVar (database versions not stated): gnomAD 0.00001.
gnomAD v4.1: 13 of 1,613,978 alleles (0.00081%); highest among the groups gnomAD compares: Admixed American, 0.02%; no homozygotes.

Submission:

Labcorp Genetics (formerly Invitae), Labcorp
Classification: Uncertain significance. Last evaluated: 2025-11-16. Review status: criteria provided, single submitter. Criteria: Invitae Variant Classification Sherloc (09022015). Collection method: clinical testing. Allele origin: germline.
Comment: This sequence change replaces tryptophan, which is neutral and slightly polar, with cysteine, which is neutral and slightly polar, at codon 682 of the CEP97 protein (p.Trp682Cys). This variant is present in population databases (rs757139052, gnomAD 0.02%). This variant has not been reported in the literature in individuals affected with CEP97-related conditions. ClinVar contains an entry for this variant (Variation ID: 2712692). Invitae Evidence Modeling of protein sequence and biophysical properties (such as structural, functional, and spatial information, amino acid conservation, physicochemical variation, residue mobility, and thermodynamic stability) indicates that this missense variant is not expected to disrupt CEP97 protein function with a negative predictive value of 80%. In summary, the available evidence is currently insufficient to determine the role of this variant in disease. Therefore, it has been classified as a Variant of Uncertain Significance.